The following is an entry in ClinVar:

NM_001374736.1(DST):c.21239_21240delinsAA (p.Ser7080Lys)

Gene: DST (dystonin; minus strand). Cytogenetic location: 6p12.1.
Variant type: Indel.
Coding change: c.21239_21240delinsAA on transcript NM_001374736.1 (MANE Select); coding-DNA positions 21239 to 21240, GC replaced by AA.
Protein change: p.Ser7080Lys; replaces serine 7080 with lysine.
Molecular consequence: missense variant.
Genome position (GRCh38, 1-based): chr6:56,482,845-56,482,846, GC replaced by TT on the plus strand (GC replaced by AA on the coding strand, the reverse complement: DST is on the minus strand). VCF-style: chr6-56482845-GC-TT. GRCh37 (hg19) VCF-style: chr6-56347643-GC-TT.
Other names: c.14882_14883delinsAA, p.Ser4961Lys (NM_001144769.5); c.14468_14469delinsAA, p.Ser4823Lys (NM_001144770.2); c.21239_21240delinsAA, p.Ser7080Lys (NM_001374722.1); c.20279_20280delinsAA, p.Ser6760Lys (NM_001374729.1); c.14021_14022delinsAA, p.Ser4674Lys (NM_001374730.1); c.21266_21267delinsAA, p.Ser7089Lys (NM_001374734.1); c.14348_14349delinsAA, p.Ser4783Lys (NM_001386100.1, NM_183380.4); c.13370_13371delinsAA, p.Ser4457Lys (NM_015548.5); short protein forms S4457K, S4674K, S4783K, S4823K, S4961K, S6760K, S7080K, S7089K.
Identifiers: ClinVar variation 3762420 (VCV003762420.2).

ClinVar aggregate classification (germline): Uncertain significance (1 of 4 stars; one submission).

Conditions:
Epidermolysis bullosa simplex 3, localized or generalized intermediate, with BP230 deficiency (EBS3). Also called: Epidermolysis bullosa simplex due to BP230 deficiency; Epidermolysis bullosa simplex, autosomal recessive 2. Identifiers: Orphanet 412181, MedGen C3809470, MONDO:0014180, OMIM 615425.
Hereditary sensory and autonomic neuropathy type 6. Also called: Neuropathy, hereditary sensory and autonomic, type VI; HSAN VI. Identifiers: Orphanet 314381, MedGen C3539003, MONDO:0013839, OMIM 614653.

Submission:

Labcorp Genetics (formerly Invitae), Labcorp
Classification: Uncertain significance for Epidermolysis bullosa simplex 3, localized or generalized intermediate, with BP230 deficiency; Hereditary sensory and autonomic neuropathy type 6. Last evaluated: 2024-09-21. Review status: criteria provided, single submitter. Criteria: Invitae Variant Classification Sherloc (09022015). Collection method: clinical testing. Allele origin: germline.
Comment: The DST gene has multiple clinically relevant transcripts. This variant occurs in alternate transcript NM_015548.4, and corresponds to NM_001723.5:c.*132671_*132672delinsAA in the primary transcript. This sequence change replaces serine, which is neutral and polar, with lysine, which is basic and polar, at codon 4457 of the DST protein (p.Ser4457Lys). This variant is present in population databases (no rsID available, gnomAD 0.0004%). This variant has not been reported in the literature in individuals affected with DST-related conditions. Experimental studies and prediction algorithms are not available or were not evaluated, and the functional significance of this variant is currently unknown. In summary, the available evidence is currently insufficient to determine the role of this variant in disease. Therefore, it has been classified as a Variant of Uncertain Significance.